The following is an entry in ClinVar:

NM_001113378.2(FANCI):c.2782C>G (p.Gln928Glu)

Gene: FANCI (FA complementation group I; plus strand). Cytogenetic location: 15q26.1.
Variant type: single nucleotide variant.
Coding change: c.2782C>G on transcript NM_001113378.2 (MANE Select); coding-DNA position 2782, C replaced by G.
Protein change: p.Gln928Glu; replaces glutamine 928 with glutamic acid.
Molecular consequence: missense variant.
Genome position (GRCh38, 1-based): chr15:89,299,945, C>G. VCF-style: chr15-89299945-C-G. GRCh37 (hg19) VCF-style: chr15-89843176-C-G.
Other names: c.2503C>G, p.Gln835Glu (NM_001376910.1); c.2782C>G, p.Gln928Glu (NM_001376911.1); c.2602C>G, p.Gln868Glu (NM_018193.3); short protein forms Q835E, Q868E, Q928E.
Identifiers: ClinVar variation 2150353 (VCV002150353.1), dbSNP rs2054465458, ClinGen allele CA393737176.

ClinVar aggregate classification (germline): Uncertain significance (1 of 4 stars; one submission).

Conditions:
Fanconi anemia (FA). Also called: Fanconi's anemia. Identifiers: Orphanet 84, MedGen C0015625, MeSH D005199, MONDO:0019391.

Allele frequency attached by ClinVar (database versions not stated): TOPMed below 0.00001.

Submission:

Labcorp Genetics (formerly Invitae), Labcorp
Classification: Uncertain significance for Fanconi anemia. Last evaluated: 2022-10-04. Review status: criteria provided, single submitter. Criteria: Invitae Variant Classification Sherloc (09022015). Collection method: clinical testing. Allele origin: germline.
Comment: This sequence change replaces glutamine, which is neutral and polar, with glutamic acid, which is acidic and polar, at codon 928 of the FANCI protein (p.Gln928Glu). This variant is not present in population databases (gnomAD no frequency). This variant has not been reported in the literature in individuals affected with FANCI-related conditions. Algorithms developed to predict the effect of missense changes on protein structure and function (SIFT, PolyPhen-2, Align-GVGD) all suggest that this variant is likely to be tolerated. In summary, the available evidence is currently insufficient to determine the role of this variant in disease. Therefore, it has been classified as a Variant of Uncertain Significance.